The following is an entry in ClinVar:

NM_006231.4(POLE):c.6749T>C (p.Val2250Ala)

Gene: POLE (DNA polymerase epsilon, catalytic subunit; minus strand). Cytogenetic location: 12q24.33.
Variant type: single nucleotide variant.
Coding change: c.6749T>C on transcript NM_006231.4 (MANE Select); coding-DNA position 6749, T replaced by C.
Protein change: p.Val2250Ala; replaces valine 2250 with alanine.
Molecular consequence: missense variant.
Genome position (GRCh38, 1-based): chr12:132,624,809, A>G on the plus strand (T>C on the coding strand, the complement: POLE is on the minus strand). VCF-style: chr12-132624809-A-G. GRCh37 (hg19) VCF-style: chr12-133201395-A-G.
Other names: short protein forms V2250A.
Identifiers: ClinVar variation 1755211 (VCV001755211.3), dbSNP rs2541832343, ClinGen allele CA387365926.

ClinVar aggregate classification (germline): Uncertain significance. Review status: criteria provided, multiple submitters, no conflicts (2 of 4 stars). 2 submissions from 2 submitters: Uncertain significance (2). Last evaluated 2022-09-08.

Conditions:
Hereditary cancer-predisposing syndrome. Also called: Neoplastic Syndromes, Hereditary; Tumor predisposition; Hereditary Cancer Syndrome; Hereditary neoplastic syndrome. Identifiers: Orphanet 140162, MedGen C0027672, MeSH D009386, MONDO:0015356.

Submissions (2):

GeneDx
Classification: Uncertain significance. Last evaluated: 2022-09-08. Review status: criteria provided, single submitter. Criteria: GeneDx Variant Classification Process June 2021. Collection method: clinical testing. Allele origin: germline. Affected: yes.
Comment: Not observed at significant frequency in large population cohorts (gnomAD); In silico analysis supports that this missense variant does not alter protein structure/function; Has not been previously published as pathogenic or benign to our knowledge

Ambry Genetics
Classification: Uncertain significance for Hereditary cancer-predisposing syndrome. Last evaluated: 2022-05-21. Review status: criteria provided, single submitter. Criteria: Ambry Variant Classification Scheme 2023. Collection method: clinical testing. Allele origin: germline.
Comment: The p.V2250A variant (also known as c.6749T>C), located in coding exon 49 of the POLE gene, results from a T to C substitution at nucleotide position 6749. The valine at codon 2250 is replaced by alanine, an amino acid with similar properties. This amino acid position is conserved. In addition, this alteration is predicted to be tolerated by in silico analysis. Since supporting evidence is limited at this time, the clinical significance of this alteration remains unclear.